The following is an entry in ClinVar:

NC_000001.10:g.(?_103377695)_(103381260_?)del

Gene: COL11A1 (collagen type XI alpha 1 chain; minus strand). Cytogenetic location: 1p21.1.
Variant type: Deletion.
Identifiers: ClinVar variation 1459740 (VCV001459740.5).

ClinVar aggregate classification (germline): Pathogenic (1 of 4 stars; one submission).

Submission:

Labcorp Genetics (formerly Invitae), Labcorp
Classification: Pathogenic. Last evaluated: 2022-06-13. Review status: criteria provided, single submitter. Criteria: Invitae Variant Classification Sherloc (09022015). Collection method: clinical testing. Allele origin: germline.
Comment: For these reasons, this variant has been classified as Pathogenic. This variant disrupts a region of the COL11A1 protein in which other variant(s) (p.Asp1334_Gly1336del) have been determined to be pathogenic (Invitae). This suggests that this is a clinically significant region of the protein, and that variants that disrupt it are likely to be disease-causing. This variant has not been reported in the literature in individuals affected with COL11A1-related conditions. This variant is a gross deletion of the genomic region encompassing exon(s) 50-54 of the COL11A1 gene. This variant would be expected to be in-frame, preserving the integrity of the reading frame.